The following is an entry in ClinVar:

NM_006231.4(POLE):c.5059T>A (p.Ser1687Thr)

Gene: POLE (DNA polymerase epsilon, catalytic subunit; minus strand). Cytogenetic location: 12q24.33.
Variant type: single nucleotide variant.
Coding change: c.5059T>A on transcript NM_006231.4 (MANE Select); coding-DNA position 5059, T replaced by A.
Protein change: p.Ser1687Thr; replaces serine 1687 with threonine.
Molecular consequence: missense variant.
Genome position (GRCh38, 1-based): chr12:132,642,291, A>T on the plus strand (T>A on the coding strand, the complement: POLE is on the minus strand). VCF-style: chr12-132642291-A-T. GRCh37 (hg19) VCF-style: chr12-133218877-A-T.
Other names: short protein forms S1687T.
Identifiers: ClinVar variation 963205 (VCV000963205.12), dbSNP rs1307732928, ClinGen allele CA387377090.

ClinVar aggregate classification (germline): Uncertain significance. Review status: criteria provided, multiple submitters, no conflicts (2 of 4 stars). 3 submissions from 3 submitters: Uncertain significance (3). Last evaluated 2025-07-23.

Conditions:
Hereditary cancer-predisposing syndrome. Also called: Tumor predisposition; Hereditary neoplastic syndrome; Hereditary Cancer Syndrome; Neoplastic Syndromes, Hereditary. Identifiers: Orphanet 140162, MedGen C0027672, MeSH D009386, MONDO:0015356.

Allele frequency attached by ClinVar (database versions not stated): TOPMed below 0.00001; gnomAD 0.00001.
gnomAD v4.1: 1 of 1,607,156 alleles (0.000062%); highest among the groups gnomAD compares: African/African-American, 0.0013%; no homozygotes.

Submissions (3):

Labcorp Genetics (formerly Invitae), Labcorp
Classification: Uncertain significance. Last evaluated: 2025-07-23. Review status: criteria provided, single submitter. Criteria: Invitae Variant Classification Sherloc (09022015). Collection method: clinical testing. Allele origin: germline.
Comment: This sequence change replaces serine, which is neutral and polar, with threonine, which is neutral and polar, at codon 1687 of the POLE protein (p.Ser1687Thr). This variant is present in population databases (no rsID available, gnomAD 0.01%). This variant has not been reported in the literature in individuals affected with POLE-related conditions. ClinVar contains an entry for this variant (Variation ID: 963205). Invitae Evidence Modeling of protein sequence and biophysical properties (such as structural, functional, and spatial information, amino acid conservation, physicochemical variation, residue mobility, and thermodynamic stability) indicates that this missense variant is not expected to disrupt POLE protein function with a negative predictive value of 80%. RNA analysis performed to evaluate the impact of this missense change on mRNA splicing indicates it does not significantly alter splicing (internal data). In summary, the available evidence is currently insufficient to determine the role of this variant in disease. Therefore, it has been classified as a Variant of Uncertain Significance.

Ambry Genetics
Classification: Uncertain significance for Hereditary cancer-predisposing syndrome. Last evaluated: 2025-06-17. Review status: criteria provided, single submitter. Criteria: Ambry Variant Classification Scheme 2023. Collection method: clinical testing. Allele origin: germline.
Comment: The p.S1687T variant (also known as c.5059T>A), located in coding exon 38 of the POLE gene, results from a T to A substitution at nucleotide position 5059. The serine at codon 1687 is replaced by threonine, an amino acid with similar properties. This amino acid position is conserved. In addition, the in silico prediction for this alteration is inconclusive. Based on the available evidence, the clinical significance of this variant remains unclear.

GeneDx
Classification: Uncertain significance. Last evaluated: 2023-07-26. Review status: criteria provided, single submitter. Criteria: GeneDx Variant Classification Process June 2021. Collection method: clinical testing. Allele origin: germline. Affected: yes.
Comment: Not observed at significant frequency in large population cohorts (gnomAD); In silico analysis supports that this missense variant has a deleterious effect on protein structure/function; Has not been previously published as pathogenic or benign to our knowledge